The following is an entry in ClinVar:

NM_006073.4(TRDN):c.1700C>A (p.Ala567Asp)

Gene: TRDN (triadin; minus strand). Cytogenetic location: 6q22.31.
Variant type: single nucleotide variant.
Coding change: c.1700C>A on transcript NM_006073.4 (MANE Select); coding-DNA position 1700, C replaced by A.
Protein change: p.Ala567Asp; replaces alanine 567 with aspartic acid.
Molecular consequence: missense variant.
Genome position (GRCh38, 1-based): chr6:123,271,159, G>T on the plus strand (C>A on the coding strand, the complement: TRDN is on the minus strand). VCF-style: chr6-123271159-G-T. GRCh37 (hg19) VCF-style: chr6-123592304-G-T.
Other names: c.1700C>A (NM_006073.2); short protein forms A567D.
Identifiers: ClinVar variation 1039913 (VCV001039913.11), dbSNP rs545470302, ClinGen allele CA3983802.

ClinVar aggregate classification (germline): Uncertain significance. Review status: criteria provided, multiple submitters, no conflicts (2 of 4 stars). 5 submissions from 5 submitters: Uncertain significance (5). Last evaluated 2024-02-05.

Conditions:
Cardiovascular phenotype. Identifiers: MedGen CN230736.
Catecholaminergic polymorphic ventricular tachycardia 1. Also called: RYR2-Related Catecholaminergic Polymorphic Ventricular Tachycardia; VENTRICULAR TACHYCARDIA, STRESS-INDUCED POLYMORPHIC 1; VENTRICULAR TACHYCARDIA, CATECHOLAMINERGIC POLYMORPHIC, 1, WITH OR WITHOUT ATRIAL DYSFUNCTION AND/OR DILATED CARDIOMYOPATHY. Identifiers: Orphanet 3286, MedGen C1631597, MONDO:0011484, OMIM 604772.
Catecholaminergic polymorphic ventricular tachycardia 5 (CARDAR). Also called: Ventricular tachycardia, catecholaminergic polymorphic, 5, with or without muscle weakness; CARDIAC ARRHYTHMIA SYNDROME, WITH OR WITHOUT SKELETAL MUSCLE WEAKNESS. Identifiers: Orphanet 3286, MedGen C3809536, MONDO:0014191, OMIM 615441.

Allele frequency attached by ClinVar (database versions not stated): TOPMed 0.00008.
gnomAD v4.1: 35 of 1,536,154 alleles (0.0023%); highest among the groups gnomAD compares: Middle Eastern, 0.034%; no homozygotes.

Submissions (5):

Ambry Genetics
Classification: Uncertain significance for Cardiovascular phenotype. Last evaluated: 2024-02-05. Review status: criteria provided, single submitter. Criteria: Ambry Variant Classification Scheme 2023. Collection method: clinical testing. Allele origin: germline.
Comment: The p.A567D variant (also known as c.1700C>A), located in coding exon 30 of the TRDN gene, results from a C to A substitution at nucleotide position 1700. The alanine at codon 567 is replaced by aspartic acid, an amino acid with dissimilar properties. This amino acid position is well conserved in available vertebrate species; however, aspartic acid is the reference amino acid in other vertebrate species. In addition, this alteration is predicted to be tolerated by in silico analysis. Since supporting evidence is limited at this time, the clinical significance of this alteration remains unclear.

GeneDx
Classification: Uncertain significance. Last evaluated: 2022-08-19. Review status: criteria provided, single submitter. Criteria: GeneDx Variant Classification Process June 2021. Collection method: clinical testing. Allele origin: germline. Affected: yes.
Comment: Not observed at significant frequency in large population cohorts (gnomAD); In silico analysis supports that this missense variant does not alter protein structure/function; Has not been previously published as pathogenic or benign to our knowledge

Labcorp Genetics (formerly Invitae), Labcorp
Classification: Uncertain significance for Catecholaminergic polymorphic ventricular tachycardia 1. Last evaluated: 2022-08-10. Review status: criteria provided, single submitter. Criteria: Invitae Variant Classification Sherloc (09022015). Collection method: clinical testing. Allele origin: germline.
Comment: This sequence change replaces alanine, which is neutral and non-polar, with aspartic acid, which is acidic and polar, at codon 567 of the TRDN protein (p.Ala567Asp). This variant is present in population databases (rs545470302, gnomAD 0.01%). This variant has not been reported in the literature in individuals affected with TRDN-related conditions. ClinVar contains an entry for this variant (Variation ID: 1039913). Algorithms developed to predict the effect of missense changes on protein structure and function output the following: SIFT: "Tolerated"; PolyPhen-2: "Benign"; Align-GVGD: "Class C0". The aspartic acid amino acid residue is found in multiple mammalian species, which suggests that this missense change does not adversely affect protein function. In summary, the available evidence is currently insufficient to determine the role of this variant in disease. Therefore, it has been classified as a Variant of Uncertain Significance.

Fulgent Genetics
Classification: Uncertain significance for Catecholaminergic polymorphic ventricular tachycardia 1; Catecholaminergic polymorphic ventricular tachycardia 5. Last evaluated: 2021-09-27. Review status: criteria provided, single submitter. Criteria: ACMG Guidelines, 2015. Collection method: clinical testing. Allele origin: unknown.

Blueprint Genetics
Classification: Uncertain significance. Last evaluated: 2021-06-25. Review status: criteria provided, single submitter. Criteria: ACMG Guidelines, 2015. Collection method: clinical testing. Allele origin: germline.